The following is an entry in ClinVar:

ClinVar aggregate classification (germline): Likely pathogenic (1 of 4 stars; one submission).

Submission:

Athena Diagnostics
Classification: Likely pathogenic. Last evaluated: 2024-05-31. Review status: criteria provided, single submitter. Criteria: Athena Diagnostics Criteria. Collection method: clinical testing. Allele origin: unknown.
Comment: This variant has not been reported in large, multi-ethnic general populations. This variant has been identified in at least one individual with clinical features associated with this gene. Polyphen and MutationTaster predict this amino acid change may be damaging to the protein. The variant is located in a region that is considered important for protein function and/or structure.

Literature cited by the submitters: PubMed 28444220.

NM_001378969.1(KCND3):c.1094T>C (p.Met365Thr)

Gene: KCND3 (potassium voltage-gated channel subfamily D member 3; minus strand). Cytogenetic location: 1p13.2.
Variant type: single nucleotide variant.
Coding change: c.1094T>C on transcript NM_001378969.1 (MANE Select); coding-DNA position 1094, T replaced by C.
Protein change: p.Met365Thr; replaces methionine 365 with threonine.
Molecular consequence: missense variant.
Genome position (GRCh38, 1-based): chr1:111,981,633, A>G on the plus strand (T>C on the coding strand, the complement: KCND3 is on the minus strand). VCF-style: chr1-111981633-A-G. GRCh37 (hg19) VCF-style: chr1-112524255-A-G.
Other names: c.1094T>C, p.Met365Thr (NM_001378970.1, NM_004980.5, NM_172198.3); short protein forms M365T.
Identifiers: ClinVar variation 2684246 (VCV002684246.2), dbSNP rs2525696069, ClinGen allele CA341820310.